The following is an entry in ClinVar:

ClinVar aggregate classification (germline): Uncertain significance (1 of 4 stars; one submission).

Conditions:
Gorlin syndrome. Also called: Nevoid Basal Cell Carcinoma Syndrome; Basal cell nevus syndrome. Identifiers: Orphanet 377, MedGen C0004779, MONDO:0007187.
Medulloblastoma (MDB). Also called: MEDULLOBLASTOMA PREDISPOSITION SYNDROME; Medulloblastoma, somatic. Identifiers: Orphanet 616, MedGen C0025149, MeSH D008527, MONDO:0007959, OMIM 155255, HP:0002885.

Submission:

Labcorp Genetics (formerly Invitae), Labcorp
Classification: Uncertain significance for Gorlin syndrome; Medulloblastoma. Last evaluated: 2022-12-07. Review status: criteria provided, single submitter. Criteria: Invitae Variant Classification Sherloc (09022015). Collection method: clinical testing. Allele origin: germline.
Comment: This variant has not been reported in the literature in individuals affected with SUFU-related conditions. In summary, the available evidence is currently insufficient to determine the role of this variant in disease. Therefore, it has been classified as a Variant of Uncertain Significance. Advanced modeling of protein sequence and biophysical properties (such as structural, functional, and spatial information, amino acid conservation, physicochemical variation, residue mobility, and thermodynamic stability) performed at Invitae indicates that this missense variant is not expected to disrupt SUFU protein function. This variant is not present in population databases (gnomAD no frequency). This sequence change replaces arginine, which is basic and polar, with lysine, which is basic and polar, at codon 313 of the SUFU protein (p.Arg313Lys).

NM_016169.4(SUFU):c.938G>A (p.Arg313Lys)

Gene: SUFU (SUFU negative regulator of hedgehog signaling; plus strand). Cytogenetic location: 10q24.32.
Variant type: single nucleotide variant.
Coding change: c.938G>A on transcript NM_016169.4 (MANE Select); coding-DNA position 938, G replaced by A.
Protein change: p.Arg313Lys; replaces arginine 313 with lysine.
Molecular consequence: missense variant.
Genome position (GRCh38, 1-based): chr10:102,599,460, G>A. VCF-style: chr10-102599460-G-A. GRCh37 (hg19) VCF-style: chr10-104359217-G-A.
Other names: c.938G>A, p.Arg313Lys (NM_001178133.2); short protein forms R313K.
Identifiers: ClinVar variation 2948785 (VCV002948785.3), dbSNP rs2545100440, ClinGen allele CA377911042.